The following is an entry in ClinVar:

ClinVar aggregate classification (germline): Uncertain significance. Review status: criteria provided, multiple submitters, no conflicts (2 of 4 stars). 3 submissions from 3 submitters: Uncertain significance (3). Last evaluated 2023-02-07.

Conditions:
Inborn genetic diseases. Identifiers: MedGen C0950123, MeSH D030342.
Combined immunodeficiency due to DOCK8 deficiency (HIES2). Also called: HYPER-IgE RECURRENT INFECTION SYNDROME 2, AUTOSOMAL RECESSIVE; Hyper-IgE recurrent infection syndrome, autosomal recessive; HYPER-IgE SYNDROME 2, AUTOSOMAL RECESSIVE, WITH RECURRENT INFECTIONS; HIES autosomal recessive; DOCK8 Deficiency. Identifiers: Orphanet 217390, MedGen C4722305, MONDO:0009478, OMIM 243700.

Allele frequency attached by ClinVar (database versions not stated): gnomAD exomes 0.00001 and 0.00002; ExAC 0.00003; gnomAD 0.00005 and 0.00006; ESP Exome Variant Server 0.00008; TOPMed 0.00008.
gnomAD v4.1: 20 of 1,614,096 alleles (0.0012%); highest among the groups gnomAD compares: African/African-American, 0.015%; no homozygotes.

Submissions (3):

Ambry Genetics
Classification: Uncertain significance for Inborn genetic diseases. Last evaluated: 2023-02-07. Review status: criteria provided, single submitter. Criteria: Ambry Variant Classification Scheme 2023. Collection method: clinical testing. Allele origin: germline.

Labcorp Genetics (formerly Invitae), Labcorp
Classification: Uncertain significance for Combined immunodeficiency due to DOCK8 deficiency. Last evaluated: 2022-10-19. Review status: criteria provided, single submitter. Criteria: Invitae Variant Classification Sherloc (09022015). Collection method: clinical testing. Allele origin: germline.
Comment: This sequence change replaces threonine, which is neutral and polar, with lysine, which is basic and polar, at codon 1882 of the DOCK8 protein (p.Thr1882Lys). This variant is present in population databases (rs376529318, gnomAD 0.04%). This variant has not been reported in the literature in individuals affected with DOCK8-related conditions. ClinVar contains an entry for this variant (Variation ID: 862783). Advanced modeling of protein sequence and biophysical properties (such as structural, functional, and spatial information, amino acid conservation, physicochemical variation, residue mobility, and thermodynamic stability) performed at Invitae indicates that this missense variant is expected to disrupt DOCK8 protein function. In summary, the available evidence is currently insufficient to determine the role of this variant in disease. Therefore, it has been classified as a Variant of Uncertain Significance.

Blueprint Genetics
Classification: Uncertain significance. Last evaluated: 2020-01-20. Review status: criteria provided, single submitter. Criteria: ACMG Guidelines, 2015. Collection method: clinical testing. Allele origin: germline.

NM_203447.4(DOCK8):c.5645C>A (p.Thr1882Lys)

Gene: DOCK8 (dedicator of cytokinesis 8; plus strand). Cytogenetic location: 9p24.3.
Variant type: single nucleotide variant.
Coding change: c.5645C>A on transcript NM_203447.4 (MANE Select); coding-DNA position 5645, C replaced by A.
Protein change: p.Thr1882Lys; replaces threonine 1882 with lysine.
Molecular consequence: missense variant.
Genome position (GRCh38, 1-based): chr9:446,434, C>A. VCF-style: chr9-446434-C-A. GRCh37 (hg19) VCF-style: chr9-446434-C-A.
Other names: c.5345C>A, p.Thr1782Lys (NM_001190458.2); c.5441C>A, p.Thr1814Lys (NM_001193536.2); short protein forms T1782K, T1814K, T1882K.
Identifiers: ClinVar variation 862783 (VCV000862783.7), dbSNP rs376529318, ClinGen allele CA4959503.